The following is an entry in ClinVar:

ClinVar aggregate classification (germline): Benign. Review status: criteria provided, multiple submitters, no conflicts (2 of 4 stars). 5 submissions from 5 submitters: Benign (4). 1 of the submissions does not count toward it. Last evaluated 2026-02-03.

Conditions:
Epilepsy, progressive myoclonic, 1B. Also called: PME. Identifiers: Orphanet 308, MedGen C2676254, MONDO:0012904, OMIM 612437.

Allele frequency attached by ClinVar (database versions not stated): gnomAD exomes 0.00278 and 0.00731; ExAC 0.00928; gnomAD 0.02879 and 0.03104; 1000 Genomes Project 0.03055; 1000 Genomes Project 30x 0.03170; TOPMed 0.03257; ESP Exome Variant Server 0.03691.
gnomAD v4.1: 8,609 of 1,613,408 alleles (0.53%); highest among the groups gnomAD compares: African/African-American, 10%; 409 homozygotes.

Submissions (5):

Labcorp Genetics (formerly Invitae), Labcorp
Classification: Benign for Epilepsy, progressive myoclonic, 1B. Last evaluated: 2026-02-03. Review status: criteria provided, single submitter. Criteria: Invitae Variant Classification Sherloc (09022015). Collection method: clinical testing. Allele origin: germline.

Ambry Genetics
Classification: Benign. Last evaluated: 2016-01-08. Review status: criteria provided, single submitter. Criteria: Ambry Variant Classification Scheme 2023. Collection method: clinical testing. Allele origin: germline.

GeneDx
Classification: Benign. Last evaluated: 2012-03-26. Review status: criteria provided, single submitter. Criteria: GeneDx Variant Classification (06012015). Collection method: clinical testing. Allele origin: germline. Affected: yes.
Comment: This variant is considered likely benign or benign based on one or more of the following criteria: it is a conservative change, it occurs at a poorly conserved position in the protein, it is predicted to be benign by multiple in silico algorithms, and/or has population frequency not consistent with disease.

Breakthrough Genomics
Classification: Benign. Review status: criteria provided, single submitter. Criteria: ACMG Guidelines, 2015. Collection method: not provided. Allele origin: germline. Inheritance: Autosomal recessive inheritance. Affected: yes.

Genetic Services Laboratory, University of Chicago
Classification: Likely benign for AllHighlyPenetrant. Review status: no assertion criteria provided. Collection method: clinical testing. Allele origin: germline. Inheritance: Autosomal recessive inheritance. Not counted in ClinVar's aggregate classification.
Comment: Likely benign based on allele frequency in 1000 Genomes Project or ESP global frequency and its presence in a patient with a rare or unrelated disease phenotype. NOT Sanger confirmed.

NM_153026.3(PRICKLE1):c.585C>T (p.Asp195=)

Gene: PRICKLE1 (prickle planar cell polarity protein 1; minus strand). Cytogenetic location: 12q12.
Variant type: single nucleotide variant.
Coding change: c.585C>T on transcript NM_153026.3 (MANE Select); coding-DNA position 585, C replaced by T.
Protein change: p.Asp195=; no amino-acid change (aspartic acid 195 retained).
Molecular consequence: synonymous variant.
Genome position (GRCh38, 1-based): chr12:42,468,629, G>A on the plus strand (C>T on the coding strand, the complement: PRICKLE1 is on the minus strand). VCF-style: chr12-42468629-G-A. GRCh37 (hg19) VCF-style: chr12-42862431-G-A.
Other names: p.D195D:GAC>GAT; c.585C>T, p.Asp195= (NM_001144881.2, NM_001144882.2, NM_001144883.2).
Identifiers: ClinVar variation 130029 (VCV000130029.23), dbSNP rs74081707, ClinGen allele CA289001.